The following is an entry in ClinVar:

ClinVar aggregate classification (germline): Uncertain significance (0 of 4 stars; one submission).

Conditions:
LEPR-related disorder. Also called: LEPR-related condition; LEPR-related disorders.

Allele frequency attached by ClinVar (database versions not stated): gnomAD 0.00003; TOPMed 0.00004; 1000 Genomes Project 0.00020; 1000 Genomes Project 30x 0.00031.
gnomAD v4.1: 67 of 1,614,048 alleles (0.0042%); highest among the groups gnomAD compares: Admixed American, 0.01%; no homozygotes.

Submission:

PreventionGenetics, part of Exact Sciences
Classification: Uncertain significance for LEPR-related condition. Last evaluated: 2024-08-06. Review status: no assertion criteria provided. Collection method: clinical testing. Allele origin: germline.
Comment: The LEPR c.2963C>T variant is predicted to result in the amino acid substitution p.Thr988Met. This variant was observed in a cohort of individuals with obesity, and in vitro functional studies showed inconclusive evidence of loss of function (Savas et al. 2019. PubMed ID: 31216558; Supplemental Data Set, Shah et al. 2023. PubMed ID: 36864747). This variant is reported in 0.0057% of alleles in individuals of Latino descent in gnomAD. At this time, the clinical significance of this variant is uncertain due to the absence of conclusive functional and genetic evidence.

NM_002303.6(LEPR):c.2963C>T (p.Thr988Met)

Gene: LEPR (leptin receptor; plus strand). Cytogenetic location: 1p31.3.
Variant type: single nucleotide variant.
Coding change: c.2963C>T on transcript NM_002303.6 (MANE Select); coding-DNA position 2963, C replaced by T.
Protein change: p.Thr988Met; replaces threonine 988 with methionine.
Molecular consequence: missense variant.
Genome position (GRCh38, 1-based): chr1:65,636,480, C>T. VCF-style: chr1-65636480-C-T. GRCh37 (hg19) VCF-style: chr1-66102163-C-T.
Other names: short protein forms T988M.
Identifiers: ClinVar variation 2634371 (VCV002634371.2), dbSNP rs202055592, ClinGen allele CA895196.